The following is an entry in ClinVar:

ClinVar aggregate classification (germline): Uncertain significance (1 of 4 stars; one submission).

Conditions:
Fanconi anemia (FA). Also called: Fanconi's anemia. Identifiers: Orphanet 84, MedGen C0015625, MeSH D005199, MONDO:0019391.

Submission:

Labcorp Genetics (formerly Invitae), Labcorp
Classification: Uncertain significance for Fanconi anemia. Last evaluated: 2021-11-30. Review status: criteria provided, single submitter. Criteria: Invitae Variant Classification Sherloc (09022015). Collection method: clinical testing. Allele origin: germline.
Comment: This sequence change replaces valine, which is neutral and non-polar, with alanine, which is neutral and non-polar, at codon 1368 of the FANCM protein (p.Val1368Ala). This variant is not present in population databases (gnomAD no frequency). This variant has not been reported in the literature in individuals affected with FANCM-related conditions. Algorithms developed to predict the effect of missense changes on protein structure and function output the following: SIFT: "Tolerated"; PolyPhen-2: "Benign"; Align-GVGD: "Class C0". The alanine amino acid residue is found in multiple mammalian species, which suggests that this missense change does not adversely affect protein function. In summary, the available evidence is currently insufficient to determine the role of this variant in disease. Therefore, it has been classified as a Variant of Uncertain Significance.

NM_020937.4(FANCM):c.4103T>C (p.Val1368Ala)

Gene: FANCM (FA complementation group M; plus strand). Cytogenetic location: 14q21.2.
Variant type: single nucleotide variant.
Coding change: c.4103T>C on transcript NM_020937.4 (MANE Select); coding-DNA position 4103, T replaced by C.
Protein change: p.Val1368Ala; replaces valine 1368 with alanine.
Molecular consequence: missense variant.
Genome position (GRCh38, 1-based): chr14:45,176,857, T>C. VCF-style: chr14-45176857-T-C. GRCh37 (hg19) VCF-style: chr14-45646060-T-C.
Other names: c.4025T>C, p.Val1342Ala (NM_001308133.2); short protein forms V1368A, V1342A.
Identifiers: ClinVar variation 1346687 (VCV001346687.6), dbSNP rs958088496, ClinGen allele CA259628650.